The following is an entry in ClinVar:

NM_014249.4(NR2E3):c.608_609dup (p.Phe204fs)

Gene: NR2E3 (nuclear receptor subfamily 2 group E member 3; plus strand). Cytogenetic location: 15q23.
Variant type: Duplication.
Coding change: c.608_609dup on transcript NM_014249.4 (MANE Select); coding-DNA positions 608 to 609, 2 bases duplicated (AG; older notation c.608_609dupAG).
Protein change: p.Phe204fs; shifts the reading frame from phenylalanine 204.
Molecular consequence: frameshift variant.
Genome position (GRCh38, 1-based): chr15:71,812,372-71,812,373, AG duplicated; duplicating any 2 consecutive bases within chr15:71,812,371-71,812,373 gives the same sequence; the c. name uses the placement nearest the transcript's 3' end. VCF-style (leftmost placement, unchanged base first): chr15-71812370-T-TGA. GRCh37 (hg19) VCF-style: chr15-72104710-T-TGA.
Other names: c.608_609dup, p.Phe204fs (NM_016346.4); short protein forms F204fs.
Identifiers: ClinVar variation 3639301 (VCV003639301.2).

ClinVar aggregate classification (germline): Pathogenic (1 of 4 stars; one submission).

Submission:

Labcorp Genetics (formerly Invitae), Labcorp
Classification: Pathogenic. Last evaluated: 2024-08-12. Review status: criteria provided, single submitter. Criteria: Invitae Variant Classification Sherloc (09022015). Collection method: clinical testing. Allele origin: germline.
Comment: This sequence change creates a premature translational stop signal (p.Phe204Serfs*48) in the NR2E3 gene. It is expected to result in an absent or disrupted protein product. Loss-of-function variants in NR2E3 are known to be pathogenic (PMID: 15459973, 27522502). This variant is not present in population databases (gnomAD no frequency). This variant has not been reported in the literature in individuals affected with NR2E3-related conditions. For these reasons, this variant has been classified as Pathogenic.

Literature cited by the submitters: PubMed 15459973; PubMed 27522502.